The following is an entry in ClinVar:

ClinVar aggregate classification (germline): Pathogenic (1 of 4 stars; one submission).

Conditions:
Townes syndrome (TBS). Also called: Townes-Brocks syndrome. Identifiers: Orphanet 857, MedGen C0265246, MeSH C536974, MONDO:0007142.

Submission:

Labcorp Genetics (formerly Invitae), Labcorp
Classification: Pathogenic for Townes syndrome. Last evaluated: 2024-11-16. Review status: criteria provided, single submitter. Criteria: Invitae Variant Classification Sherloc (09022015). Collection method: clinical testing. Allele origin: germline.
Comment: This sequence change creates a premature translational stop signal (p.Asn117Thrfs*66) in the SALL1 gene. It is expected to result in an absent or disrupted protein product. Loss-of-function variants in SALL1 are known to be pathogenic (PMID: 9973281, 12915476, 16088922, 23069192). This variant is not present in population databases (gnomAD no frequency). This variant has not been reported in the literature in individuals affected with SALL1-related conditions. For these reasons, this variant has been classified as Pathogenic.

Literature cited by the submitters: PubMed 9973281; PubMed 12915476; PubMed 16088922; PubMed 23069192.

NM_002968.3(SALL1):c.350del (p.Asn117fs)

Gene: SALL1 (spalt like transcription factor 1; minus strand). Cytogenetic location: 16q12.1.
Variant type: Deletion.
Coding change: c.350del on transcript NM_002968.3 (MANE Select); coding-DNA position 350, one base deleted (A; older notation c.350delA).
Protein change: p.Asn117fs; shifts the reading frame from asparagine 117.
Molecular consequence: frameshift variant.
Genome position (GRCh38, 1-based): chr16:51,141,872, T deleted on the plus strand (A on the coding strand, the reverse complement: SALL1 is on the minus strand); the first of 2 consecutive T bases (chr16:51,141,872-51,141,873); deleting either gives the same sequence. VCF-style (leftmost placement, unchanged base first): chr16-51141871-GT-G. GRCh37 (hg19) VCF-style: chr16-51175782-GT-G.
Other names: c.59del, p.Asn20fs (NM_001127892.2); short protein forms N117fs, N20fs.
Identifiers: ClinVar variation 3725389 (VCV003725389.2).